The following is an entry in ClinVar:

NM_020778.5(ALPK3):c.2760dup (p.Gln921fs)

Gene: ALPK3 (alpha kinase 3; plus strand). Cytogenetic location: 15q25.3.
Variant type: Duplication.
Coding change: c.2760dup on transcript NM_020778.5 (MANE Select); coding-DNA position 2760, one base duplicated (T; older notation c.2760dupT).
Protein change: p.Gln921fs; shifts the reading frame from glutamine 921.
Molecular consequence: frameshift variant.
Genome position (GRCh38, 1-based): chr15:84,857,498, T duplicated. VCF-style (leftmost placement, unchanged base first): chr15-84857497-C-CT. GRCh37 (hg19) VCF-style: chr15-85400728-C-CT.
Other names: short protein forms Q921fs.
Identifiers: ClinVar variation 2006866 (VCV002006866.4), dbSNP rs1567093760, ClinGen allele CA619855256.

ClinVar aggregate classification (germline): Pathogenic (1 of 4 stars; one submission).

Allele frequency attached by ClinVar (database versions not stated): gnomAD exomes below 0.00001.

Submission:

Labcorp Genetics (formerly Invitae), Labcorp
Classification: Pathogenic. Last evaluated: 2022-06-15. Review status: criteria provided, single submitter. Criteria: Invitae Variant Classification Sherloc (09022015). Collection method: clinical testing. Allele origin: germline.
Comment: This sequence change creates a premature translational stop signal (p.Gln1123Serfs*13) in the ALPK3 gene. It is expected to result in an absent or disrupted protein product. Loss-of-function variants in ALPK3 are known to be pathogenic (PMID: 21441111, 26846950, 27106955, 34263907). This variant is present in population databases (no rsID available, gnomAD 0.0009%). This variant has not been reported in the literature in individuals affected with ALPK3-related conditions. For these reasons, this variant has been classified as Pathogenic.

Literature cited by the submitters: PubMed 21441111; PubMed 26846950; PubMed 27106955; PubMed 34263907.